The following is an entry in ClinVar:

ClinVar aggregate classification (germline): Benign/Likely benign. Review status: criteria provided, multiple submitters, no conflicts (2 of 4 stars). 6 submissions from 6 submitters: Benign (2); Likely benign (2). 2 of the submissions do not count toward it. Last evaluated 2026-07-01.

Conditions:
ARID1A-related disorder. Also called: ARID1A-related condition.
Inborn genetic diseases. Identifiers: MedGen C0950123, MeSH D030342.

Submissions (6):

CeGaT Center for Human Genetics Tuebingen
Classification: Likely benign. Last evaluated: 2026-07-01. Review status: criteria provided, single submitter. Criteria: CeGaT Center For Human Genetics Tuebingen Variant Classification Criteria Version 2. Collection method: clinical testing. Allele origin: germline. Affected: yes. Observed: 1 variant allele.
Comment: ARID1A: BS2

Labcorp Genetics (formerly Invitae), Labcorp
Classification: Benign. Last evaluated: 2025-09-28. Review status: criteria provided, single submitter. Criteria: Invitae Variant Classification Sherloc (09022015). Collection method: clinical testing. Allele origin: germline.

Ambry Genetics
Classification: Benign for Inborn genetic diseases. Last evaluated: 2022-07-04. Review status: criteria provided, single submitter. Criteria: Ambry Variant Classification Scheme 2023. Collection method: clinical testing. Allele origin: germline.

GeneDx
Classification: Likely benign. Last evaluated: 2020-11-19. Review status: criteria provided, single submitter. Criteria: GeneDx Variant Classification Process June 2021. Collection method: clinical testing. Allele origin: germline. Affected: yes.

PreventionGenetics, part of Exact Sciences
Classification: Likely benign for ARID1A-related condition. Last evaluated: 2019-07-26. Review status: no assertion criteria provided. Collection method: clinical testing. Allele origin: germline. Not counted in ClinVar's aggregate classification.
Comment: This variant is classified as likely benign based on ACMG/AMP sequence variant interpretation guidelines (Richards et al. 2015 PMID: 25741868, with internal and published modifications).

Gharavi Laboratory, Columbia University
Classification: Uncertain significance. Last evaluated: 2018-09-16. Review status: no assertion criteria provided. Criteria: ACMG Guidelines, 2015. Collection method: research. Allele origin: germline. Affected: yes. Not counted in ClinVar's aggregate classification.

NM_006015.6(ARID1A):c.48GCC[7] (p.Pro20_Pro21dup)

Gene: ARID1A (AT-rich interaction domain 1A; plus strand). Cytogenetic location: 1p36.11.
Variant type: Microsatellite.
Coding change: c.48GCC[7] on transcript NM_006015.6 (MANE Select); seven copies in a row of the 3-base unit GCC starting at c.48; the reference has five copies in a row; two copies, 6 bases duplicated.
Protein change: p.Pro20_Pro21dup.
Molecular consequence: inframe insertion.
Genome position (GRCh38, 1-based): chr1:26,696,460-26,696,465, GCCGCC duplicated; duplicating any 6 consecutive bases within chr1:26,696,449-26,696,465 gives the same sequence; the position shown is the placement nearest the transcript's 3' end. VCF-style (leftmost placement, unchanged base first): chr1-26696448-C-CCCGCCG. GRCh37 (hg19) VCF-style: chr1-27022939-C-CCCGCCG.
Other names: c.57_62dupGCCGCC (NM_006015.4); c.48GCC[7], p.Pro20_Pro21dup (NM_139135.4).
Identifiers: ClinVar variation 591469 (VCV000591469.10), dbSNP rs748085214, ClinGen allele CA416988846.